The following is an entry in ClinVar:

NM_017849.4(TMEM127):c.176G>T (p.Gly59Val)

Gene: TMEM127 (transmembrane protein 127; minus strand). Cytogenetic location: 2q11.2.
Variant type: single nucleotide variant.
Coding change: c.176G>T on transcript NM_017849.4 (MANE Select); coding-DNA position 176, G replaced by T.
Protein change: p.Gly59Val; replaces glycine 59 with valine.
Molecular consequence: missense variant.
Genome position (GRCh38, 1-based): chr2:96,265,206, C>A on the plus strand (G>T on the coding strand, the complement: TMEM127 is on the minus strand). VCF-style: chr2-96265206-C-A. GRCh37 (hg19) VCF-style: chr2-96930944-C-A.
Other names: c.176G>T, p.Gly59Val (NM_001193304.3); short protein forms G59V.
Identifiers: ClinVar variation 1016684 (VCV001016684.8), dbSNP rs1684390010, ClinGen allele CA347655960.

ClinVar aggregate classification (germline): Uncertain significance (1 of 4 stars; one submission).

Conditions:
Hereditary pheochromocytoma and paraganglioma. Also called: Hereditary pheochromocytoma-paraganglioma; Hereditary Paraganglioma-Pheochromocytoma Syndromes; Hereditary paragangliomas and pheochromocytomas. Identifiers: Orphanet 29072, MedGen C4274332, MONDO:0017366.

Submission:

Labcorp Genetics (formerly Invitae), Labcorp
Classification: Uncertain significance for Hereditary pheochromocytoma and paraganglioma. Last evaluated: 2020-10-16. Review status: criteria provided, single submitter. Criteria: Invitae Variant Classification Sherloc (09022015). Collection method: clinical testing. Allele origin: germline.
Comment: This variant is not present in population databases (ExAC no frequency). In summary, the available evidence is currently insufficient to determine the role of this variant in disease. Therefore, it has been classified as a Variant of Uncertain Significance. Algorithms developed to predict the effect of missense changes on protein structure and function are either unavailable or do not agree on the potential impact of this missense change (SIFT: "Tolerated"; PolyPhen-2: "Possibly Damaging"; Align-GVGD: "Class C0"). This variant has not been reported in the literature in individuals with TMEM127-related conditions. This sequence change replaces glycine with valine at codon 59 of the TMEM127 protein (p.Gly59Val). The glycine residue is highly conserved and there is a moderate physicochemical difference between glycine and valine.